The following is an entry in ClinVar:

ClinVar aggregate classification (germline): Uncertain significance (1 of 4 stars; one submission).

Allele frequency attached by ClinVar (database versions not stated): TOPMed below 0.00001.

Submission:

GeneDx
Classification: Uncertain significance. Last evaluated: 2023-04-04. Review status: criteria provided, single submitter. Criteria: GeneDx Variant Classification Process June 2021. Collection method: clinical testing. Allele origin: germline. Affected: yes.
Comment: Not observed at significant frequency in large population cohorts (gnomAD); In silico analysis supports that this missense variant does not alter protein structure/function; Has not been previously published as pathogenic or benign to our knowledge

NM_001354604.2(MITF):c.1201G>A (p.Ala401Thr)

Gene: MITF (melanocyte inducing transcription factor; plus strand). Cytogenetic location: 3p13.
Variant type: single nucleotide variant.
Coding change: c.1201G>A on transcript NM_001354604.2 (MANE Select); coding-DNA position 1201, G replaced by A.
Protein change: p.Ala401Thr; replaces alanine 401 with threonine.
Molecular consequence: missense variant.
Genome position (GRCh38, 1-based): chr3:69,964,868, G>A. VCF-style: chr3-69964868-G-A. GRCh37 (hg19) VCF-style: chr3-70014019-G-A.
Other names: c.880G>A, p.Ala294Thr (NM_000248.4); c.1027G>A, p.Ala343Thr (NM_001184967.2, NM_001354608.2); c.1198G>A, p.Ala400Thr (NM_001354605.2); c.1180G>A, p.Ala394Thr (NM_001354606.2, NM_006722.3); c.1132G>A, p.Ala378Thr (NM_001354607.2); c.862G>A, p.Ala288Thr (NM_198158.3); c.1183G>A, p.Ala395Thr (NM_198159.3); c.1135G>A, p.Ala379Thr (NM_198177.3); and 1 more; short protein forms A232T, A288T, A294T, A343T, A378T, A379T, A394T, A395T.
Identifiers: ClinVar variation 2662014 (VCV002662014.1), dbSNP rs893988273, ClinGen allele CA77003517.